The following is an entry in ClinVar:

NC_012920.1(MT-ATP6):m.8860A>G

Gene: MT-ATP6 (mitochondrially encoded ATP synthase 6; plus strand).
Variant type: single nucleotide variant.
Genome position: chrM-8860-A-G.
Identifiers: ClinVar variation 693004 (VCV000693004.2), dbSNP rs2001031, ClinGen allele CA337098084.

ClinVar aggregate classification (germline): Benign. Review status: criteria provided, multiple submitters, no conflicts (2 of 4 stars). 2 submissions from 2 submitters: Benign (2). Last evaluated 2025-02-16.

Conditions:
Leigh syndrome (NULS). Also called: Leigh's necrotizing encephalopathy; Leigh's disease; Leigh Syndrome (mtDNA deletion); Leigh Disease; Subacute necrotizing encephalopathy; Necrotizing encephalopathy infantile subacute of Leigh. Identifiers: Orphanet 506, MedGen C2931891, MONDO:0009723, OMIM 256000.

Submissions (2):

Laboratory of Genetics, Children's Clinical University Hospital Latvia
Classification: Benign. Last evaluated: 2025-02-16. Review status: criteria provided, single submitter. Criteria: ACMG Guidelines, 2015. Collection method: clinical testing. Allele origin: germline. Affected: yes.

Wong Mito Lab, Molecular and Human Genetics, Baylor College of Medicine
Classification: Benign for Leigh syndrome. Last evaluated: 2019-10-17. Review status: criteria provided, single submitter. Criteria: Modified ACMG Guidelines (Unpublished). Collection method: clinical testing. Allele origin: germline.
Comment: The NC_012920.1:m.8860A>G (YP_003024031.1:p.Thr112Ala) variant in MTATP6 gene is interpretated to be a Benign variant based on the modified ACMG guidelines (unpublished). This variant meets the following evidence codes: BA1